The following is an entry in ClinVar:

NM_006846.4(SPINK5):c.1522C>G (p.Leu508Val)

Gene: SPINK5 (serine peptidase inhibitor Kazal type 5; plus strand). Cytogenetic location: 5q32.
Variant type: single nucleotide variant.
Coding change: c.1522C>G on transcript NM_006846.4 (MANE Select); coding-DNA position 1522, C replaced by G.
Protein change: p.Leu508Val; replaces leucine 508 with valine.
Molecular consequence: missense variant.
Genome position (GRCh38, 1-based): chr5:148,107,079, C>G. VCF-style: chr5-148107079-C-G. GRCh37 (hg19) VCF-style: chr5-147486642-C-G.
Other names: c.1522C>G, p.Leu508Val (NM_001127698.2, NM_001127699.2); short protein forms L508V.
Identifiers: ClinVar variation 1490222 (VCV001490222.6), dbSNP rs2113140907, ClinGen allele CA361639167.

ClinVar aggregate classification (germline): Uncertain significance (1 of 4 stars; one submission).

Conditions:
Ichthyosis linearis circumflexa. Identifiers: MedGen C0265962, MONDO:0043106, HP:0025810.

gnomAD v4.1: 2 of 1,613,230 alleles (0.00012%); highest among the groups gnomAD compares: Non-Finnish European, 0.000085%; no homozygotes.

Submission:

Labcorp Genetics (formerly Invitae), Labcorp
Classification: Uncertain significance for Ichthyosis linearis circumflexa. Last evaluated: 2024-02-20. Review status: criteria provided, single submitter. Criteria: Invitae Variant Classification Sherloc (09022015). Collection method: clinical testing. Allele origin: germline.
Comment: This sequence change replaces leucine, which is neutral and non-polar, with valine, which is neutral and non-polar, at codon 508 of the SPINK5 protein (p.Leu508Val). This variant is not present in population databases (gnomAD no frequency). This variant has not been reported in the literature in individuals affected with SPINK5-related conditions. ClinVar contains an entry for this variant (Variation ID: 1490222). Advanced modeling of protein sequence and biophysical properties (such as structural, functional, and spatial information, amino acid conservation, physicochemical variation, residue mobility, and thermodynamic stability) has been performed at Invitae for this missense variant, however the output from this modeling did not meet the statistical confidence thresholds required to predict the impact of this variant on SPINK5 protein function. In summary, the available evidence is currently insufficient to determine the role of this variant in disease. Therefore, it has been classified as a Variant of Uncertain Significance.